The following is an entry in ClinVar:

ClinVar aggregate classification (germline): Benign/Likely benign. Review status: criteria provided, multiple submitters, no conflicts (2 of 4 stars). 4 submissions from 4 submitters: Benign (1); Likely benign (3). Last evaluated 2023-04-01.

Allele frequency attached by ClinVar (database versions not stated): gnomAD exomes 0.00150; ExAC 0.01239.

Submissions (4):

CeGaT Center for Human Genetics Tuebingen
Classification: Likely benign. Last evaluated: 2023-04-01. Review status: criteria provided, single submitter. Criteria: CeGaT Center For Human Genetics Tuebingen Variant Classification Criteria Version 2. Collection method: clinical testing. Allele origin: germline. Affected: yes. Observed: 2 variant alleles.
Comment: HERC2: PP2, BP4, BS1

GeneDx
Classification: Likely benign. Last evaluated: 2020-07-06. Review status: criteria provided, single submitter. Criteria: GeneDx Variant Classification Process June 2021. Collection method: clinical testing. Allele origin: germline. Affected: yes.

Center for Pediatric Genomic Medicine, Children's Mercy Hospital and Clinics
Classification: Benign. Last evaluated: 2016-04-25. Review status: criteria provided, single submitter. Criteria: ACMG Guidelines, 2015. Collection method: clinical testing. Allele origin: germline.

Breakthrough Genomics
Classification: Likely benign. Review status: criteria provided, single submitter. Criteria: ACMG Guidelines, 2015. Collection method: not provided. Allele origin: germline. Inheritance: Autosomal recessive inheritance. Affected: yes.

NM_004667.6(HERC2):c.7316C>A (p.Ala2439Asp)

Gene: HERC2 (HECT and RLD domain containing E3 ubiquitin protein ligase 2; minus strand). Cytogenetic location: 15q13.1.
Variant type: single nucleotide variant.
Coding change: c.7316C>A on transcript NM_004667.6 (MANE Select); coding-DNA position 7316, C replaced by A.
Protein change: p.Ala2439Asp; replaces alanine 2439 with aspartic acid.
Molecular consequence: missense variant.
Genome position (GRCh38, 1-based): chr15:28,202,511, G>T on the plus strand (C>A on the coding strand, the complement: HERC2 is on the minus strand). VCF-style: chr15-28202511-G-T. GRCh37 (hg19) VCF-style: chr15-28447657-G-T.
Other names: short protein forms A2439D.
Identifiers: ClinVar variation 235233 (VCV000235233.33), dbSNP rs200823016, ClinGen allele CA7441852.